The following is an entry in ClinVar:

NM_206933.4(USH2A):c.4586A>T (p.Lys1529Ile)

Gene: USH2A (usherin; minus strand). Cytogenetic location: 1q41.
Variant type: single nucleotide variant.
Coding change: c.4586A>T on transcript NM_206933.4 (MANE Select); coding-DNA position 4586, A replaced by T.
Protein change: p.Lys1529Ile; replaces lysine 1529 with isoleucine.
Molecular consequence: missense variant.
Genome position (GRCh38, 1-based): chr1:216,175,293, T>A on the plus strand (A>T on the coding strand, the complement: USH2A is on the minus strand). VCF-style: chr1-216175293-T-A. GRCh37 (hg19) VCF-style: chr1-216348635-T-A.
Other names: c.4586A>T, p.Lys1529Ile (NM_007123.6); short protein forms K1529I.
Identifiers: ClinVar variation 48520 (VCV000048520.82), dbSNP rs41303255, ClinGen allele CA143494.

ClinVar aggregate classification (germline): Conflicting classifications of pathogenicity. Review status: criteria provided, conflicting classifications (1 of 4 stars). 15 submissions from 14 submitters: Uncertain significance (3); Benign (2); Likely benign (7). 3 of the submissions do not count toward it. Last evaluated 2026-03-25.

Conditions:
USH2A-related disorder. Also called: USH2A-related disorders; USH2A-related condition. Identifiers: MedGen CN239332.
Retinitis pigmentosa (RP). Identifiers: Orphanet 791, MedGen C0035334, MeSH D012174, MONDO:0019200, OMIM 268000. Inheritance: Autosomal dominant, autosomal recessive and X linked inheritance.
Usher syndrome type 2A. Also called: USHER SYNDROME, TYPE IIA; RETINAL DISEASE IN USHER SYNDROME TYPE IIA, MODIFIER OF. Identifiers: Orphanet 231178, Orphanet 886, MedGen C1848634, MONDO:0010169, OMIM 276901.

Allele frequency attached by ClinVar (database versions not stated): 1000 Genomes Project 30x 0.00265; gnomAD exomes 0.00046; ExAC 0.00057; gnomAD 0.00176 and 0.00190; TOPMed 0.00218; 1000 Genomes Project 0.00220; ESP Exome Variant Server 0.00231.
gnomAD v4.1: 555 of 1,613,738 alleles (0.034%); highest among the groups gnomAD compares: African/African-American, 0.64%; 3 homozygotes.

Submissions (15):

PreventionGenetics, part of Exact Sciences
Classification: Likely benign for USH2A-related condition. Last evaluated: 2026-03-25. Review status: criteria provided, single submitter. Criteria: ACMG Guidelines, 2015. Collection method: clinical testing. Allele origin: germline.
Comment: This variant is classified as likely benign based on ACMG/AMP sequence variant interpretation guidelines (Richards et al. 2015 PMID: 25741868, with internal and published modifications).

Labcorp Genetics (formerly Invitae), Labcorp
Classification: Likely benign. Last evaluated: 2026-01-19. Review status: criteria provided, single submitter. Criteria: Invitae Variant Classification Sherloc (09022015). Collection method: clinical testing. Allele origin: germline.

Blueprint Genetics
Classification: Likely benign. Last evaluated: 2024-11-26. Review status: criteria provided, single submitter. Criteria: ACMG Guidelines, 2015. Collection method: clinical testing. Allele origin: germline.

Women's Health and Genetics/Laboratory Corporation of America, LabCorp
Classification: Likely benign. Last evaluated: 2022-03-04. Review status: criteria provided, single submitter. Criteria: LabCorp Variant Classification Summary - May 2015. Collection method: clinical testing. Allele origin: germline.
Comment: Variant summary: USH2A c.4586A>T (p.Lys1529Ile) results in a non-conservative amino acid change located in the Laminin G domain (IPR001791) of the encoded protein sequence. Three of five in-silico tools predict a benign effect of the variant on protein function. The variant allele was found at a frequency of 0.00046 in 250490 control chromosomes in the gnomAD database, including 1 homozygote. This frequency is not significantly higher than estimated for a pathogenic variant in USH2A causing Usher Syndrome (0.00046 vs 0.011), allowing no conclusion about variant significance. c.4586A>T has been reported in the literature as a heterozygous genotype in at-least one individual affected with Usher Syndrome who was compound heterozygous for two different causal variants in the USH2A gene (example, Sloan-Heggen_2016). Additionally, it has been reported as a heterozygous genotype in an individual with early onset severe retinal dystrophy (EOSRD) and no evidence of hearing defect who harbored a homozygous nonsense variant in the TTLL5 gene supporting a possible alternate etiology of disease (example, Smirnov_2021). These report(s) do not provide unequivocal conclusions about association of the variant with Usher Syndrome. To our knowledge, no experimental evidence demonstrating an impact on protein function has been reported. Eight clinical diagnostic laboratories have submitted clinical-significance assessments for this variant to ClinVar after 2014 without evidence for independent evaluation. Multiple laboratories reported the variant with conflicting assessments and a majority consensus as benign/likely benign (n=5), (VUS, n=3). Based on the evidence outlined above, the variant was classified as likely benign.

GeneDx
Classification: Likely benign. Last evaluated: 2021-05-18. Review status: criteria provided, single submitter. Criteria: GeneDx Variant Classification Process June 2021. Collection method: clinical testing. Allele origin: germline. Affected: yes.
Comment: This variant is associated with the following publications: (PMID: 26969326)

ARUP Laboratories, Molecular Genetics and Genomics, ARUP Laboratories
Classification: Benign. Last evaluated: 2021-04-13. Review status: criteria provided, single submitter. Criteria: ARUP Molecular Germline Variant Investigation Process 2021. Collection method: clinical testing. Allele origin: germline.

Dubai Health Genomic Medicine Center, Dubai Health
Classification: Likely benign for Usher syndrome type 2A. Last evaluated: 2020-01-07. Review status: criteria provided, single submitter. Criteria: ACMG Guidelines, 2015. Collection method: clinical testing. Allele origin: germline. Affected: yes.

Illumina Laboratory Services, Illumina
Classification: Uncertain significance for Retinitis pigmentosa. Last evaluated: 2018-01-13. Review status: criteria provided, single submitter. Criteria: ICSL Variant Classification Criteria 13 December 2019. Collection method: clinical testing. Allele origin: germline.

Illumina Laboratory Services, Illumina
Classification: Uncertain significance for Usher syndrome type 2A. Last evaluated: 2018-01-13. Review status: criteria provided, single submitter. Criteria: ICSL Variant Classification Criteria 13 December 2019. Collection method: clinical testing. Allele origin: germline.

CeGaT Center for Human Genetics Tuebingen
Classification: Uncertain significance. Last evaluated: 2017-05-01. Review status: criteria provided, single submitter. Criteria: CeGaT Center For Human Genetics Tuebingen Variant Classification Criteria Version 2. Collection method: clinical testing. Allele origin: germline. Affected: yes. Observed: 1 variant allele.

Eurofins Ntd Llc (ga)
Classification: Likely benign. Last evaluated: 2016-03-28. Review status: criteria provided, single submitter. Criteria: EGL Classification Definitions 2015. Collection method: clinical testing. Allele origin: germline. Observed: 1 variant allele, 1 heterozygote.

Laboratory for Molecular Medicine, Mass General Brigham Personalized Medicine
Classification: Benign. Last evaluated: 2014-08-11. Review status: criteria provided, single submitter. Criteria: LMM Criteria. Collection method: clinical testing. Allele origin: germline. Observed: 3 variant alleles.
Comment: Lys1529Ile in Exon 21A of USH2A: This variant is not expected to have clinical s ignificance because it has been identified in 0.7% (30/4406) of African American chromosomes from a broad population by the NHLBI Exome Sequencing Project (dbSNP rs41303255).

Natera, Inc.
Classification: Benign for Usher syndrome type 2A. Last evaluated: 2020-01-17. Review status: no assertion criteria provided. Collection method: clinical testing. Allele origin: germline. Not counted in ClinVar's aggregate classification.

Clinical Genetics DNA and cytogenetics Diagnostics Lab, Erasmus MC, Erasmus Medical Center
Classification: Uncertain significance. Review status: no assertion criteria provided. Collection method: clinical testing. Allele origin: germline. Affected: yes. Study: VKGL Data-share Consensus. Not counted in ClinVar's aggregate classification.

Clinical Genetics, Academic Medical Center
Classification: Uncertain significance. Review status: no assertion criteria provided. Collection method: clinical testing. Allele origin: germline. Affected: yes. Study: VKGL Data-share Consensus. Not counted in ClinVar's aggregate classification.

Literature cited by the submitters: PubMed 26969326 (cited by Women's Health and Genetics/Laboratory Corporation of America, LabCorp); PubMed 34203883 (cited by Women's Health and Genetics/Laboratory Corporation of America, LabCorp).